The following is an entry in ClinVar:

ClinVar aggregate classification (germline): Uncertain significance. Review status: criteria provided, multiple submitters, no conflicts (2 of 4 stars). 2 submissions from 2 submitters: Uncertain significance (2). Last evaluated 2024-08-29.

Conditions:
Inborn genetic diseases. Identifiers: MedGen C0950123, MeSH D030342.
Hereditary spastic paraplegia 4. Also called: Spastic Paraplegia 4; Spastic paraplegia 4, autosomal dominant; Familial spastic paraplegia autosomal dominant 2. Identifiers: Orphanet 100985, MedGen C1866855, MONDO:0008438, OMIM 182601.

Allele frequency attached by ClinVar (database versions not stated): gnomAD exomes 0.00001.
gnomAD v4.1: 3 of 1,584,560 alleles (0.00019%); highest among the groups gnomAD compares: Admixed American, 0.0018%; no homozygotes.

Submissions (2):

Ambry Genetics
Classification: Uncertain significance for Inborn genetic diseases. Last evaluated: 2024-08-29. Review status: criteria provided, single submitter. Criteria: Ambry Variant Classification Scheme 2023. Collection method: clinical testing. Allele origin: germline.

Labcorp Genetics (formerly Invitae), Labcorp
Classification: Uncertain significance for Hereditary spastic paraplegia 4. Last evaluated: 2019-12-28. Review status: criteria provided, single submitter. Criteria: Invitae Variant Classification Sherloc (09022015). Collection method: clinical testing. Allele origin: germline.
Comment: Algorithms developed to predict the effect of missense changes on protein structure and function are either unavailable or do not agree on the potential impact of this missense change (SIFT: "Tolerated"; PolyPhen-2: "Not Available"; Align-GVGD: "Class C0"). This variant has not been reported in the literature in individuals with SPAST-related conditions. This variant is not present in population databases (ExAC no frequency). This sequence change replaces proline with leucine at codon 27 of the SPAST protein (p.Pro27Leu). The proline residue is moderately conserved and there is a moderate physicochemical difference between proline and leucine. In summary, the available evidence is currently insufficient to determine the role of this variant in disease. Therefore, it has been classified as a Variant of Uncertain Significance.

NM_014946.4(SPAST):c.80C>T (p.Pro27Leu)

Gene: SPAST (spastin; plus strand). Cytogenetic location: 2p22.3.
Variant type: single nucleotide variant.
Coding change: c.80C>T on transcript NM_014946.4 (MANE Select); coding-DNA position 80, C replaced by T.
Protein change: p.Pro27Leu; replaces proline 27 with leucine.
Molecular consequence: missense variant.
Genome position (GRCh38, 1-based): chr2:32,063,911, C>T. VCF-style: chr2-32063911-C-T. GRCh37 (hg19) VCF-style: chr2-32288980-C-T.
Other names: c.80C>T, p.Pro27Leu (NM_001363823.2, NM_001363875.2, NM_001377959.1 and 1 more transcripts); short protein forms P27L.
Identifiers: ClinVar variation 860364 (VCV000860364.10), dbSNP rs1361493550, ClinGen allele CA346601321.